The following is an entry in ClinVar:

NM_017780.4(CHD7):c.282del (p.Asn96fs)

Gene: CHD7 (chromodomain helicase DNA binding protein 7; plus strand). Cytogenetic location: 8q12.2.
Variant type: Deletion.
Coding change: c.282del on transcript NM_017780.4 (MANE Select); coding-DNA position 282, one base deleted (T; older notation c.282delT).
Protein change: p.Asn96fs; shifts the reading frame from asparagine 96.
Molecular consequence: frameshift variant.
Genome position (GRCh38, 1-based): chr8:60,741,714, T deleted. VCF-style (leftmost placement, unchanged base first): chr8-60741713-CT-C. GRCh37 (hg19) VCF-style: chr8-61654272-CT-C.
Other names: c.282del (NM_017780.3); c.282del, p.Asn96fs (NM_001316690.1); short protein forms N96fs.
Identifiers: ClinVar variation 560976 (VCV000560976.13), dbSNP rs1563559321, ClinGen allele CA658821255.

ClinVar aggregate classification (germline): Pathogenic. Review status: criteria provided, multiple submitters, no conflicts (2 of 4 stars). 4 submissions from 4 submitters: Pathogenic (4). Last evaluated 2023-11-10.

Conditions:
CHARGE syndrome (CHARGE). Also called: Hittner Hirsch Kreh syndrome; Coloboma, heart anomaly, choanal atresia, retardation, genital and ear anomalies; CHARGE association; Hall-Hittner syndrome; CHARGE ASSOCIATION--COLOBOMA, HEART ANOMALY, CHOANAL ATRESIA, RETARDATION, GENITAL AND EAR ANOMALIES. Identifiers: Orphanet 138, MedGen C0265354, MONDO:0008965.

Submissions (4):

Daryl Scott Lab, Baylor College of Medicine
Classification: Pathogenic for CHD7-related CHARGE syndrome. Last evaluated: 2023-11-10. Review status: criteria provided, single submitter. Criteria: ACMG Guidelines, 2015. Collection method: clinical testing. Allele origin: de novo. Affected: yes.

3billion
Classification: Pathogenic for CHD7-related CHARGE syndrome. Last evaluated: 2023-02-23. Review status: criteria provided, single submitter. Criteria: ACMG Guidelines, 2015. Collection method: clinical testing. Allele origin: unknown. Affected: yes.
Comment: The variant is not observed in the gnomAD v2.1.1 dataset. This variant was predicted to result in a loss or disruption of normal protein function through nonsense-mediated decay (NMD) or protein truncation. Multiple pathogenic variants are reported downstream of the variant. The variant has been reported at least twice as pathogenic with clinical assertions and evidence for the classification (ClinVar ID: VCV000560976 / PMID: 22461308). Therefore, this variant is classified as Pathogenic according to the recommendation of ACMG/AMP guideline.

Labcorp Genetics (formerly Invitae), Labcorp
Classification: Pathogenic for CHARGE syndrome. Last evaluated: 2019-10-23. Review status: criteria provided, single submitter. Criteria: Invitae Variant Classification Sherloc (09022015). Collection method: clinical testing. Allele origin: germline.
Comment: This sequence change creates a premature translational stop signal (p.Asn96Thrfs*115) in the CHD7 gene. It is expected to result in an absent or disrupted protein product. This variant is not present in population databases (ExAC no frequency). This variant has been observed in individual(s) with CHARGE syndrome (PMID: 22461308). In at least one individual the variant was observed to be de novo. ClinVar contains an entry for this variant (Variation ID: 560976). Loss-of-function variants in CHD7 are known to be pathogenic (PMID: 22461308, 25077900). For these reasons, this variant has been classified as Pathogenic.

Baylor Genetics
Classification: Pathogenic for CHD7-related CHARGE syndrome. Last evaluated: 2017-09-01. Review status: criteria provided, single submitter. Criteria: ACMG Guidelines, 2015. Collection method: clinical testing. Allele origin: de novo. Inheritance: Autosomal dominant inheritance. Affected: yes.

Literature cited by the submitters: PubMed 22461308 (cited by 3 submitters); PubMed 25077900 (cited by Labcorp Genetics (formerly Invitae), Labcorp); PubMed 25326635 (cited by Baylor Genetics).